The following is an entry in ClinVar:

NM_006180.6(NTRK2):c.803C>T (p.Ala268Val)

Gene: NTRK2 (neurotrophic receptor tyrosine kinase 2; plus strand). Cytogenetic location: 9q21.33.
Variant type: single nucleotide variant.
Coding change: c.803C>T on transcript NM_006180.6 (MANE Select); coding-DNA position 803, C replaced by T.
Protein change: p.Ala268Val; replaces alanine 268 with valine.
Molecular consequence: missense variant.
Genome position (GRCh38, 1-based): chr9:84,724,306, C>T. VCF-style: chr9-84724306-C-T. GRCh37 (hg19) VCF-style: chr9-87339221-C-T.
Other names: c.803C>T, p.Ala268Val (NM_001007097.3, NM_001018064.3, NM_001018065.2 and 18 more transcripts); c.335C>T, p.Ala112Val (NM_001369535.1, NM_001369536.1, NM_001369550.1 and 2 more transcripts); short protein forms A112V, A268V.
Identifiers: ClinVar variation 1471346 (VCV001471346.8), dbSNP rs997635600, ClinGen allele CA195747756.

ClinVar aggregate classification (germline): Uncertain significance (1 of 4 stars; one submission).

Allele frequency attached by ClinVar (database versions not stated): gnomAD 0.00001; gnomAD exomes below 0.00001.
gnomAD v4.1: 11 of 1,613,938 alleles (0.00068%); highest among the groups gnomAD compares: Admixed American, 0.0017%; no homozygotes.

Submission:

Labcorp Genetics (formerly Invitae), Labcorp
Classification: Uncertain significance. Last evaluated: 2025-11-17. Review status: criteria provided, single submitter. Criteria: Invitae Variant Classification Sherloc (09022015). Collection method: clinical testing. Allele origin: germline.
Comment: This sequence change replaces alanine, which is neutral and non-polar, with valine, which is neutral and non-polar, at codon 268 of the NTRK2 protein (p.Ala268Val). This variant is not present in population databases (gnomAD no frequency). This variant has not been reported in the literature in individuals affected with NTRK2-related conditions. ClinVar contains an entry for this variant (Variation ID: 1471346). Invitae Evidence Modeling of protein sequence and biophysical properties (such as structural, functional, and spatial information, amino acid conservation, physicochemical variation, residue mobility, and thermodynamic stability) indicates that this missense variant is not expected to disrupt NTRK2 protein function with a negative predictive value of 80%. In summary, the available evidence is currently insufficient to determine the role of this variant in disease. Therefore, it has been classified as a Variant of Uncertain Significance.